The following is an entry in ClinVar:

ClinVar aggregate classification (germline): Uncertain significance. Review status: criteria provided, multiple submitters, no conflicts (2 of 4 stars). 2 submissions from 2 submitters: Uncertain significance (2). Last evaluated 2022-08-04.

Conditions:
Mitochondrial complex V (ATP synthase) deficiency, nuclear type 2. Also called: Nuclear-Encoded ATPase Deficiency, TMEM70-Related; ENCEPHALOCARDIOMYOPATHY, MITOCHONDRIAL, NEONATAL, DUE TO ATP SYNTHASE DEFICIENCY; MITOCHONDRIAL COMPLEX V (ATP SYNTHASE) DEFICIENCY, TMEM70 TYPE. Identifiers: Orphanet 1194, MedGen C3279699, MONDO:0013546, OMIM 614052.

Allele frequency attached by ClinVar (database versions not stated): gnomAD 0.00002 and 0.00003; gnomAD exomes 0.00002 and 0.00003; ExAC 0.00003; TOPMed 0.00004; ESP Exome Variant Server 0.00008.
gnomAD v4.1: 53 of 1,605,364 alleles (0.0033%); highest among the groups gnomAD compares: Middle Eastern, 0.28%; 1 homozygote.

Submissions (2):

Labcorp Genetics (formerly Invitae), Labcorp
Classification: Uncertain significance for Mitochondrial complex V (ATP synthase) deficiency, nuclear type 2. Last evaluated: 2022-08-04. Review status: criteria provided, single submitter. Criteria: Invitae Variant Classification Sherloc (09022015). Collection method: clinical testing. Allele origin: germline.
Comment: This sequence change replaces lysine, which is basic and polar, with threonine, which is neutral and polar, at codon 257 of the TMEM70 protein (p.Lys257Thr). This variant is present in population databases (rs372716606, gnomAD 0.005%). This variant has not been reported in the literature in individuals affected with TMEM70-related conditions. ClinVar contains an entry for this variant (Variation ID: 835696). Algorithms developed to predict the effect of missense changes on protein structure and function (SIFT, PolyPhen-2, Align-GVGD) all suggest that this variant is likely to be tolerated. In summary, the available evidence is currently insufficient to determine the role of this variant in disease. Therefore, it has been classified as a Variant of Uncertain Significance.

Illumina Laboratory Services, Illumina
Classification: Uncertain significance for Mitochondrial complex V (ATP synthase) deficiency, nuclear type 2. Last evaluated: 2018-01-13. Review status: criteria provided, single submitter. Criteria: ICSL Variant Classification Criteria 13 December 2019. Collection method: clinical testing. Allele origin: germline.

NM_017866.6(TMEM70):c.770A>C (p.Lys257Thr)

Gene: TMEM70 (transmembrane protein 70; plus strand). Cytogenetic location: 8q21.11.
Variant type: single nucleotide variant.
Coding change: c.770A>C on transcript NM_017866.6 (MANE Select); coding-DNA position 770, A replaced by C.
Protein change: p.Lys257Thr; replaces lysine 257 with threonine.
Molecular consequence: missense variant. On other transcripts: 3 prime UTR variant (1), non-coding transcript variant (1).
Genome position (GRCh38, 1-based): chr8:73,981,608, A>C. VCF-style: chr8-73981608-A-C. GRCh37 (hg19) VCF-style: chr8-74893843-A-C.
Other names: c.*460A>C (NM_001040613.3); short protein forms K257T.
Identifiers: ClinVar variation 835696 (VCV000835696.8), dbSNP rs372716606, ClinGen allele CA4784114.